The following is an entry in ClinVar:

NM_002661.5(PLCG2):c.127G>T (p.Val43Phe)

Gene: PLCG2 (phospholipase C gamma 2; plus strand). Cytogenetic location: 16q23.3.
Variant type: single nucleotide variant.
Coding change: c.127G>T on transcript NM_002661.5 (MANE Select); coding-DNA position 127, G replaced by T.
Protein change: p.Val43Phe; replaces valine 43 with phenylalanine.
Molecular consequence: missense variant.
Genome position (GRCh38, 1-based): chr16:81,786,116, G>T. VCF-style: chr16-81786116-G-T. GRCh37 (hg19) VCF-style: chr16-81819721-G-T.
Other names: short protein forms V43F.
Identifiers: ClinVar variation 649893 (VCV000649893.8), dbSNP rs370352962, ClinGen allele CA396895521.
Genomic context (GRCh38, chr16:81,786,116, plus strand): 5'-GAGCTGGGGACGGTGATGACTGTGTTCAGCTTCCGCAAGTCCACCCCCGAGCGGAGAACC[G>T]TCCAGGTGATCATGGAGACGCGGCAGGTGGCCTGGAGCAAGACCGCTGACAAGATCGAGG-3'
Protein context (NP_002652.2, residues 33-53): FRKSTPERRT[Val43Phe]QVIMETRQVA

ClinVar aggregate classification (germline): Uncertain significance (1 of 4 stars; one submission).

Conditions:
Familial cold autoinflammatory syndrome 3 (FCAS3). Also called: FAMILIAL ATYPICAL COLD URTICARIA; ANTIBODY DEFICIENCY AND IMMUNE DYSREGULATION, PLCG2-ASSOCIATED. Identifiers: Orphanet 300359, MedGen C3280914, MONDO:0013766, OMIM 614468.

Submission:

Labcorp Genetics (formerly Invitae), Labcorp
Classification: Uncertain significance for Familial cold autoinflammatory syndrome 3. Last evaluated: 2022-10-25. Review status: criteria provided, single submitter. Criteria: Invitae Variant Classification Sherloc (09022015). Collection method: clinical testing. Allele origin: germline.
Comment: In summary, the available evidence is currently insufficient to determine the role of this variant in disease. Therefore, it has been classified as a Variant of Uncertain Significance. Algorithms developed to predict the effect of missense changes on protein structure and function are either unavailable or do not agree on the potential impact of this missense change (SIFT: "Tolerated"; PolyPhen-2: "Possibly Damaging"; Align-GVGD: "Class C0"). ClinVar contains an entry for this variant (Variation ID: 649893). This variant has not been reported in the literature in individuals affected with PLCG2-related conditions. This variant is not present in population databases (gnomAD no frequency). This sequence change replaces valine, which is neutral and non-polar, with phenylalanine, which is neutral and non-polar, at codon 43 of the PLCG2 protein (p.Val43Phe).